The following is an entry in ClinVar:

NM_001170629.2(CHD8):c.6010C>T (p.Pro2004Ser)

Gene: CHD8 (chromodomain helicase DNA binding protein 8; minus strand). Cytogenetic location: 14q11.2.
Variant type: single nucleotide variant.
Coding change: c.6010C>T on transcript NM_001170629.2 (MANE Select); coding-DNA position 6010, C replaced by T.
Protein change: p.Pro2004Ser; replaces proline 2004 with serine.
Molecular consequence: missense variant.
Genome position (GRCh38, 1-based): chr14:21,393,785, G>A on the plus strand (C>T on the coding strand, the complement: CHD8 is on the minus strand). VCF-style: chr14-21393785-G-A. GRCh37 (hg19) VCF-style: chr14-21861944-G-A.
Other names: c.5173C>T, p.Pro1725Ser (NM_020920.4); short protein forms P1725S, P2004S.
Identifiers: ClinVar variation 2636660 (VCV002636660.4), dbSNP rs2501856752, ClinGen allele CA388880601.

ClinVar aggregate classification (germline): Uncertain significance. Review status: criteria provided, multiple submitters, no conflicts (2 of 4 stars). 2 submissions from 2 submitters: Uncertain significance (2). Last evaluated 2024-10-24.

Conditions:
CHD8-related disorder. Also called: CHD8-related condition; CHD8-related disorders.

gnomAD v4.1: 2 of 1,613,978 alleles (0.00012%); highest among the groups gnomAD compares: Non-Finnish European, 0.00017%; no homozygotes.

Submissions (2):

Labcorp Genetics (formerly Invitae), Labcorp
Classification: Uncertain significance. Last evaluated: 2024-10-24. Review status: criteria provided, single submitter. Criteria: Invitae Variant Classification Sherloc (09022015). Collection method: clinical testing. Allele origin: germline.
Comment: This sequence change replaces proline, which is neutral and non-polar, with serine, which is neutral and polar, at codon 2004 of the CHD8 protein (p.Pro2004Ser). This variant is not present in population databases (gnomAD no frequency). This variant has not been reported in the literature in individuals affected with CHD8-related conditions. ClinVar contains an entry for this variant (Variation ID: 2636660). Invitae Evidence Modeling of protein sequence and biophysical properties (such as structural, functional, and spatial information, amino acid conservation, physicochemical variation, residue mobility, and thermodynamic stability) indicates that this missense variant is not expected to disrupt CHD8 protein function with a negative predictive value of 95%. In summary, the available evidence is currently insufficient to determine the role of this variant in disease. Therefore, it has been classified as a Variant of Uncertain Significance.

PreventionGenetics, part of Exact Sciences
Classification: Uncertain significance for CHD8-related condition. Last evaluated: 2023-09-25. Review status: criteria provided, single submitter. Criteria: ACMG Guidelines, 2015. Collection method: clinical testing. Allele origin: germline.
Comment: The CHD8 c.6010C>T variant is predicted to result in the amino acid substitution p.Pro2004Ser. To our knowledge, this variant has not been reported in the literature or in a large population database, indicating this variant is rare. At this time, the clinical significance of this variant is uncertain due to the absence of conclusive functional and genetic evidence.